The following is an entry in ClinVar:

NM_001854.4(COL11A1):c.4618G>A (p.Gly1540Ser)

Gene: COL11A1 (collagen type XI alpha 1 chain; minus strand). Cytogenetic location: 1p21.1.
Variant type: single nucleotide variant.
Coding change: c.4618G>A on transcript NM_001854.4 (MANE Select); coding-DNA position 4618, G replaced by A.
Protein change: p.Gly1540Ser; replaces glycine 1540 with serine.
Molecular consequence: missense variant. On other transcripts: non-coding transcript variant (1).
Genome position (GRCh38, 1-based): chr1:102,887,047, C>T on the plus strand (G>A on the coding strand, the complement: COL11A1 is on the minus strand). VCF-style: chr1-102887047-C-T. GRCh37 (hg19) VCF-style: chr1-103352603-C-T.
Other names: c.4501G>A, p.Gly1501Ser (NM_001190709.2); c.4654G>A, p.Gly1552Ser (NM_080629.3); c.4270G>A, p.Gly1424Ser (NM_080630.4); short protein forms G1424S, G1501S, G1540S, G1552S.
Identifiers: ClinVar variation 1014453 (VCV001014453.19), dbSNP rs933062306, ClinGen allele CA341212231.
Genomic context (GRCh38, chr1:102,887,047, plus strand): 5'-CTTCAGTATGTCTTCTCGTTTTTTTGGAGGACAAGATTGGTAAAGGCTGAATGACTTCAC[C>T]AGGTGGACCCTGTAAAGAAGATAATGTGAGTGCAATTGTTTCATAAAGTGGAATATTCTG-3'
Protein context (NP_001845.3, residues 1530-1550): PGPPGSPGPP[Gly1540Ser]EVIQPLPILS

ClinVar aggregate classification (germline): Uncertain significance. Review status: criteria provided, multiple submitters, no conflicts (2 of 4 stars). 6 submissions from 6 submitters: Uncertain significance (6). Last evaluated 2026-09-09.

Conditions:
Inborn genetic diseases. Identifiers: MedGen C0950123, MeSH D030342.
COL11A1-related disorder. Also called: COL11A1-related disorders; COL11A1-related condition.

Allele frequency attached by ClinVar (database versions not stated): gnomAD exomes below 0.00001 and 0.00001; gnomAD 0.00001; TOPMed 0.00001.
gnomAD v4.1: 6 of 1,613,566 alleles (0.00037%); highest among the groups gnomAD compares: African/African-American, 0.0013%; no homozygotes.

Submissions (6):

PreventionGenetics, part of Exact Sciences
Classification: Uncertain significance for COL11A1-related condition. Last evaluated: 2026-09-09. Review status: criteria provided, single submitter. Criteria: ACMG Guidelines, 2015. Collection method: clinical testing. Allele origin: germline.
Comment: The COL11A1 c.4618G>A variant is predicted to result in the amino acid substitution p.Gly1540Ser. To our knowledge, this variant has not been reported in the literature. This variant is reported in 0.00088% of alleles in individuals of European (Non-Finnish) descent in gnomAD. At this time, the clinical significance of this variant is uncertain due to the absence of conclusive functional and genetic evidence.

CeGaT Center for Human Genetics Tuebingen
Classification: Uncertain significance. Last evaluated: 2026-05-01. Review status: criteria provided, single submitter. Criteria: CeGaT Center For Human Genetics Tuebingen Variant Classification Criteria Version 2. Collection method: clinical testing. Allele origin: germline. Affected: yes. Observed: 1 variant allele.
Comment: COL11A1: PM2, PP3

GeneDx
Classification: Uncertain significance. Last evaluated: 2026-01-29. Review status: criteria provided, single submitter. Criteria: GeneDx Variant Classification Process June 2021. Collection method: clinical testing. Allele origin: germline. Affected: yes.
Comment: Not observed at significant frequency in large population cohorts (gnomAD); In silico analysis supports that this missense variant has a deleterious effect on protein structure/function; Has not been previously published as pathogenic or benign to our knowledge; This variant is associated with the following publications: (PMID: 27535533, 24077912, 25240749)

Women's Health and Genetics/Laboratory Corporation of America, LabCorp
Classification: Uncertain significance. Last evaluated: 2025-11-03. Review status: criteria provided, single submitter. Criteria: LabCorp Variant Classification Summary - May 2015. Collection method: clinical testing. Allele origin: germline.
Comment: Variant summary: COL11A1 c.4618G>A (p.Gly1540Ser) results in a non-conservative amino acid change in the encoded protein sequence. Algorithms developed to predict the effect of missense changes on protein structure and function all suggest that this variant is likely to be disruptive. The variant allele was found at a frequency of 4e-06 in 251150 control chromosomes. The available data on variant occurrences in the general population are insufficient to allow any conclusion about variant significance. To our knowledge, no occurrence of c.4618G>A in individuals affected with COL11A1-related conditions and no experimental evidence demonstrating its impact on protein function have been reported. ClinVar contains an entry for this variant (Variation ID: 1014453). Based on the evidence outlined above, the variant was classified as uncertain significance.

Ambry Genetics
Classification: Uncertain significance for Inborn genetic diseases. Last evaluated: 2025-01-20. Review status: criteria provided, single submitter. Criteria: Ambry Variant Classification Scheme 2023. Collection method: clinical testing. Allele origin: germline.

Labcorp Genetics (formerly Invitae), Labcorp
Classification: Uncertain significance. Last evaluated: 2024-11-10. Review status: criteria provided, single submitter. Criteria: Invitae Variant Classification Sherloc (09022015). Collection method: clinical testing. Allele origin: germline.
Comment: This sequence change replaces glycine, which is neutral and non-polar, with serine, which is neutral and polar, at codon 1540 of the COL11A1 protein (p.Gly1540Ser). This variant is present in population databases (no rsID available, gnomAD 0.0009%). This variant has not been reported in the literature in individuals affected with COL11A1-related conditions. ClinVar contains an entry for this variant (Variation ID: 1014453). Invitae Evidence Modeling of protein sequence and biophysical properties (such as structural, functional, and spatial information, amino acid conservation, physicochemical variation, residue mobility, and thermodynamic stability) indicates that this missense variant is not expected to disrupt COL11A1 protein function with a negative predictive value of 80%. In summary, the available evidence is currently insufficient to determine the role of this variant in disease. Therefore, it has been classified as a Variant of Uncertain Significance.